The following is an entry in ClinVar:

ClinVar aggregate classification (germline): Uncertain significance. Review status: criteria provided, multiple submitters, no conflicts (2 of 4 stars). 6 submissions from 6 submitters: Uncertain significance (5). 1 of the submissions does not count toward it. Last evaluated 2024-04-15.

Conditions:
Inborn genetic diseases. Identifiers: MedGen C0950123, MeSH D030342.
EPM2A-related disorder. Also called: EPM2A-related condition.
Lafora disease. Also called: Epilepsy progressive myoclonic 2. Identifiers: Orphanet 501, MedGen C0751783, MONDO:0009697.
Progressive myoclonic epilepsy. Also called: Myoclonus epilepsy; Familial progressive myoclonic epilepsy; Myoclonic Epilepsies, Progressive; Progressive myoclonus epilepsy. Identifiers: Orphanet 308, Orphanet 98261, MedGen C0751778, MONDO:0020074.

Allele frequency attached by ClinVar (database versions not stated): gnomAD exomes 0.00005 and 0.00003; 1000 Genomes Project 0.00040; 1000 Genomes Project 30x 0.00047; TOPMed 0.00056; gnomAD 0.00036 and 0.00041; ExAC 0.00023; ESP Exome Variant Server 0.00016.
gnomAD v4.1: 98 of 1,517,924 alleles (0.0065%); highest among the groups gnomAD compares: African/African-American, 0.13%; no homozygotes.

Submissions (6):

GeneDx
Classification: Uncertain significance. Last evaluated: 2024-04-15. Review status: criteria provided, single submitter. Criteria: GeneDx Variant Classification Process June 2021. Collection method: clinical testing. Allele origin: germline. Affected: yes.
Comment: In silico analysis indicates that this missense variant does not alter protein structure/function; Has not been previously published as pathogenic or benign to our knowledge

Labcorp Genetics (formerly Invitae), Labcorp
Classification: Uncertain significance for Progressive myoclonic epilepsy. Last evaluated: 2022-10-18. Review status: criteria provided, single submitter. Criteria: Invitae Variant Classification Sherloc (09022015). Collection method: clinical testing. Allele origin: germline.
Comment: This sequence change replaces glycine, which is neutral and non-polar, with arginine, which is basic and polar, at codon 79 of the EPM2A protein (p.Gly79Arg). This variant is present in population databases (rs374826256, gnomAD 0.2%). This variant has not been reported in the literature in individuals affected with EPM2A-related conditions. ClinVar contains an entry for this variant (Variation ID: 193326). Algorithms developed to predict the effect of missense changes on protein structure and function (SIFT, PolyPhen-2, Align-GVGD) all suggest that this variant is likely to be tolerated. In summary, the available evidence is currently insufficient to determine the role of this variant in disease. Therefore, it has been classified as a Variant of Uncertain Significance.

Fulgent Genetics
Classification: Uncertain significance for Myoclonic epilepsy of Lafora 1. Last evaluated: 2018-10-31. Review status: criteria provided, single submitter. Criteria: ACMG Guidelines, 2015. Collection method: clinical testing. Allele origin: unknown.

Ambry Genetics
Classification: Uncertain significance for Inborn genetic diseases. Last evaluated: 2018-08-01. Review status: criteria provided, single submitter. Criteria: Ambry Variant Classification Scheme 2023. Collection method: clinical testing. Allele origin: germline.
Comment: The p.G79R variant (also known as c.235G>C), located in coding exon 1 of the EPM2A gene, results from a G to C substitution at nucleotide position 235. The glycine at codon 79 is replaced by arginine, an amino acid with dissimilar properties. This amino acid position is well conserved on limited sequence alignment. In addition, the in silico prediction for this alteration is inconclusive. Since supporting evidence is limited at this time, the clinical significance of this variant remains unclear.

Eurofins Ntd Llc (ga)
Classification: Uncertain significance. Last evaluated: 2014-11-11. Review status: criteria provided, single submitter. Criteria: EGL Classification Definitions 2015. Collection method: clinical testing. Allele origin: germline. Observed: 1 variant allele, 1 heterozygote.

PreventionGenetics, part of Exact Sciences
Classification: Likely benign for EPM2A-related condition. Last evaluated: 2024-04-08. Review status: no assertion criteria provided. Collection method: clinical testing. Allele origin: germline. Not counted in ClinVar's aggregate classification.
Comment: This variant is classified as likely benign based on ACMG/AMP sequence variant interpretation guidelines (Richards et al. 2015 PMID: 25741868, with internal and published modifications).

NM_005670.4(EPM2A):c.235G>C (p.Gly79Arg)

Genes: EPM2A (EPM2A glucan phosphatase, laforin; minus strand), EPM2A-DT (EPM2A divergent transcript; plus strand), LOC129997381 (ATAC-STARR-seq lymphoblastoid silent region 17642; plus strand). Cytogenetic location: 6q24.3.
Variant type: single nucleotide variant.
Coding change: c.235G>C on transcript NM_005670.4 (MANE Select); coding-DNA position 235, G replaced by C.
Protein change: p.Gly79Arg; replaces glycine 79 with arginine.
Molecular consequence: missense variant. On other transcripts: 5 prime UTR variant (3), intron variant (1).
Genome position (GRCh38, 1-based): chr6:145,735,264, C>G on the plus strand (G>C on the coding strand, the complement: EPM2A is on the minus strand). VCF-style: chr6-145735264-C-G. GRCh37 (hg19) VCF-style: chr6-146056400-C-G.
Other names: p.G79R:GGC>CGC; c.235G>C, p.Gly79Arg (NM_001018041.2, NM_001360057.2, NM_001368130.1); c.-435G>C (NM_001360071.2); c.-389G>C (NM_001368129.2); c.-133G>C (NM_001368131.1); c.-114+644G>C (NM_001360064.2); short protein forms G79R.
Identifiers: ClinVar variation 193326 (VCV000193326.23), dbSNP rs374826256, ClinGen allele CA238839.